The following is an entry in ClinVar:

NM_000059.4(BRCA2):c.6009AGA[1] (p.Glu2004del)

Gene: BRCA2 (BRCA2 DNA repair associated; plus strand). Cytogenetic location: 13q13.1.
Variant type: Microsatellite.
Coding change: c.6009AGA[1] on transcript NM_000059.4 (MANE Select); one copy of the 3-base unit AGA starting at c.6009; the reference has two copies in a row; one copy, 3 bases deleted.
Protein change: p.Glu2004del; deletes glutamic acid 2004.
Molecular consequence: inframe deletion.
Genome position (GRCh38, 1-based): chr13:32,340,367-32,340,369, AGA deleted; deleting any 3 consecutive bases within chr13:32,340,364-32,340,369 gives the same sequence; the position shown is the placement nearest the transcript's 3' end. VCF-style (leftmost placement, unchanged base first): chr13-32340363-TAGA-T. GRCh37 (hg19) VCF-style: chr13-32914500-TAGA-T.
Other names: c.6012_6014delAGA (NM_000059.3); short protein forms E2004del.
Identifiers: ClinVar variation 409418 (VCV000409418.18), dbSNP rs761799851, ClinGen allele CA6940924.

ClinVar aggregate classification (germline): Uncertain significance. Review status: criteria provided, multiple submitters, no conflicts (2 of 4 stars). 4 submissions from 4 submitters: Uncertain significance (4). Last evaluated 2025-06-07.

Conditions:
Hereditary breast ovarian cancer syndrome. Also called: Hereditary breast and ovarian cancer; Hereditary breast and/or ovarian cancer syndrome; BRCA1- and BRCA2-Associated Hereditary Breast and Ovarian Cancer; Hereditary breast and ovarian cancer syndrome; Hereditary breast and ovarian cancer syndrome (HBOC); Breast and ovarian cancer. Identifiers: Orphanet 145, MedGen C0677776, MeSH D061325, MONDO:0003582. Disease mechanism: loss of function.
Hereditary cancer-predisposing syndrome. Also called: Tumor predisposition; Hereditary Cancer Syndrome; Hereditary neoplastic syndrome; Neoplastic Syndromes, Hereditary. Identifiers: Orphanet 140162, MedGen C0027672, MeSH D009386, MONDO:0015356.

Submissions (4):

Labcorp Genetics (formerly Invitae), Labcorp
Classification: Uncertain significance for Hereditary breast ovarian cancer syndrome. Last evaluated: 2025-06-07. Review status: criteria provided, single submitter. Criteria: Invitae Variant Classification Sherloc (09022015). Collection method: clinical testing. Allele origin: germline.
Comment: This variant, c.6012_6014del, results in the deletion of 1 amino acid(s) of the BRCA2 protein (p.Glu2004del), but otherwise preserves the integrity of the reading frame. This variant is present in population databases (rs761799851, gnomAD 0.0009%). This variant has not been reported in the literature in individuals affected with BRCA2-related conditions. ClinVar contains an entry for this variant (Variation ID: 409418). Experimental studies and prediction algorithms are not available or were not evaluated, and the functional significance of this variant is currently unknown. In summary, the available evidence is currently insufficient to determine the role of this variant in disease. Therefore, it has been classified as a Variant of Uncertain Significance.

Quest Diagnostics Nichols Institute San Juan Capistrano
Classification: Uncertain significance. Last evaluated: 2025-05-06. Review status: criteria provided, single submitter. Criteria: Quest Diagnostics criteria. Collection method: clinical testing. Allele origin: unknown.
Comment: The BRCA2 c.6012_6014del (p.Glu2004del) variant has not been reported in individuals with BRCA2-related conditions in the published literature. The frequency of this variant in the general population (Genome Aggregation Database) is uninformative in the assessment of its pathogenicity. Based on the available information, we are unable to determine the clinical significance of this variant.

Ambry Genetics
Classification: Uncertain significance for Hereditary cancer-predisposing syndrome. Last evaluated: 2025-04-29. Review status: criteria provided, single submitter. Criteria: Ambry Variant Classification Scheme 2023. Collection method: clinical testing. Allele origin: germline.
Comment: The c.6012_6014delAGA variant (also known as p.E2004del) is located in coding exon 10 of the BRCA2 gene. This variant results from an in-frame AGA deletion at nucleotide positions 6012 to 6014. This results in the in-frame deletion of a glutamic acid at codon 2004. This amino acid position is not well conserved in available vertebrate species. In addition, this alteration is predicted to be deleterious by in silico analysis (Choi Y et al. PLoS ONE. 2012; 7(10):e46688). Based on the available evidence, the clinical significance of this variant remains unclear.

GeneDx
Classification: Uncertain significance. Last evaluated: 2017-11-17. Review status: criteria provided, single submitter. Criteria: GeneDx Variant Classification (06012015). Collection method: clinical testing. Allele origin: germline. Affected: yes.
Comment: This in-frame deletion of 3 nucleotides in BRCA2 is denoted c.6012_6014delAGA at the cDNA level and p.Glu2004del (E2004del) at the protein level. Using alternate nomenclature, this variant would be defined as BRCA2 6240_6242delAGA or 6240del3. The normal sequence, with the bases that are deleted in brackets, is TAGA[delAGA]TAGT. This variant has not, to our knowledge, been published in the literature as pathogenic or benign. This deletion of a single Glutamic Acid residue occurs within the BRC7 domain and the RAD51 binding domain (Cole 2011, Roy 2012). In-silico analyses, including protein predictors and evolutionary conservation, support a deleterious effect. Since in-frame deletions may or may not inhibit proper protein functioning, the clinical significance of this finding remains unclear at this time and we consider BRCA2 Glu2004del to be a variant of uncertain significance.